The following is an entry in ClinVar:

ClinVar aggregate classification (germline): Uncertain significance (1 of 4 stars; one submission).

Conditions:
Mitochondrial complex V (ATP synthase) deficiency, nuclear type 2. Also called: Nuclear-Encoded ATPase Deficiency, TMEM70-Related; ENCEPHALOCARDIOMYOPATHY, MITOCHONDRIAL, NEONATAL, DUE TO ATP SYNTHASE DEFICIENCY; MITOCHONDRIAL COMPLEX V (ATP SYNTHASE) DEFICIENCY, TMEM70 TYPE. Identifiers: Orphanet 1194, MedGen C3279699, MONDO:0013546, OMIM 614052.

Allele frequency attached by ClinVar (database versions not stated): gnomAD 0.00001; gnomAD exomes 0.00003; ExAC 0.00006.
gnomAD v4.1: 36 of 1,612,818 alleles (0.0022%); highest among the groups gnomAD compares: South Asian, 0.031%; 1 homozygote.

Submission:

Labcorp Genetics (formerly Invitae), Labcorp
Classification: Uncertain significance for Mitochondrial complex V (ATP synthase) deficiency, nuclear type 2. Last evaluated: 2025-08-21. Review status: criteria provided, single submitter. Criteria: Invitae Variant Classification Sherloc (09022015). Collection method: clinical testing. Allele origin: germline.
Comment: This sequence change replaces methionine, which is neutral and non-polar, with threonine, which is neutral and polar, at codon 247 of the TMEM70 protein (p.Met247Thr). This variant is present in population databases (rs753940409, gnomAD 0.03%). This variant has not been reported in the literature in individuals affected with TMEM70-related conditions. ClinVar contains an entry for this variant (Variation ID: 972234). An algorithm developed to predict the effect of missense changes on protein structure and function outputs the following: PolyPhen-2: "Benign". The threonine amino acid residue is found in multiple mammalian species, which suggests that this missense change does not adversely affect protein function. In summary, the available evidence is currently insufficient to determine the role of this variant in disease. Therefore, it has been classified as a Variant of Uncertain Significance.

NM_017866.6(TMEM70):c.740T>C (p.Met247Thr)

Gene: TMEM70 (transmembrane protein 70; plus strand). Cytogenetic location: 8q21.11.
Variant type: single nucleotide variant.
Coding change: c.740T>C on transcript NM_017866.6 (MANE Select); coding-DNA position 740, T replaced by C.
Protein change: p.Met247Thr; replaces methionine 247 with threonine.
Molecular consequence: missense variant. On other transcripts: 3 prime UTR variant (1), non-coding transcript variant (1).
Genome position (GRCh38, 1-based): chr8:73,981,578, T>C. VCF-style: chr8-73981578-T-C. GRCh37 (hg19) VCF-style: chr8-74893813-T-C.
Other names: c.*430T>C (NM_001040613.3); short protein forms M247T.
Identifiers: ClinVar variation 972234 (VCV000972234.10), dbSNP rs753940409, ClinGen allele CA4784108.
Genomic context (GRCh38, chr8:73,981,578, plus strand): 5'-CAAACCGTGAAGACTATATCCATCTAATGGGTTATGACAAAGAAGAATTTATTTTGTATA[T>C]GGAAGAAACCAGTGAAGAGAAACGGCATAAAGATGACAAATGAGCCTATTTGTTAGTGTT-3'
Protein context (NP_060336.3, residues 237-257): GYDKEEFILY[Met247Thr]EETSEEKRHK